The following is an entry in ClinVar:

ClinVar aggregate classification (germline): Uncertain significance (1 of 4 stars; one submission).

Conditions:
CHARGE syndrome (CHARGE). Also called: Hittner Hirsch Kreh syndrome; CHARGE ASSOCIATION--COLOBOMA, HEART ANOMALY, CHOANAL ATRESIA, RETARDATION, GENITAL AND EAR ANOMALIES; Coloboma, heart anomaly, choanal atresia, retardation, genital and ear anomalies; CHARGE association; Hall-Hittner syndrome. Identifiers: Orphanet 138, MedGen C0265354, MONDO:0008965.

Allele frequency attached by ClinVar (database versions not stated): gnomAD exomes below 0.00001.

Submission:

Labcorp Genetics (formerly Invitae), Labcorp
Classification: Uncertain significance for CHARGE syndrome. Last evaluated: 2024-01-29. Review status: criteria provided, single submitter. Criteria: Invitae Variant Classification Sherloc (09022015). Collection method: clinical testing. Allele origin: germline.
Comment: This sequence change replaces alanine, which is neutral and non-polar, with valine, which is neutral and non-polar, at codon 351 of the SEMA3E protein (p.Ala351Val). This variant is not present in population databases (gnomAD no frequency). This variant has not been reported in the literature in individuals affected with SEMA3E-related conditions. Advanced modeling of protein sequence and biophysical properties (such as structural, functional, and spatial information, amino acid conservation, physicochemical variation, residue mobility, and thermodynamic stability) performed at Invitae indicates that this missense variant is expected to disrupt SEMA3E protein function with a positive predictive value of 80%. In summary, the available evidence is currently insufficient to determine the role of this variant in disease. Therefore, it has been classified as a Variant of Uncertain Significance.

NM_012431.3(SEMA3E):c.1052C>T (p.Ala351Val)

Gene: SEMA3E (semaphorin 3E; minus strand). Cytogenetic location: 7q21.11.
Variant type: single nucleotide variant.
Coding change: c.1052C>T on transcript NM_012431.3 (MANE Select); coding-DNA position 1052, C replaced by T.
Protein change: p.Ala351Val; replaces alanine 351 with valine.
Molecular consequence: missense variant.
Genome position (GRCh38, 1-based): chr7:83,402,723, G>A on the plus strand (C>T on the coding strand, the complement: SEMA3E is on the minus strand). VCF-style: chr7-83402723-G-A. GRCh37 (hg19) VCF-style: chr7-83032039-G-A.
Other names: c.872C>T, p.Ala291Val (NM_001178129.2); short protein forms A291V, A351V.
Identifiers: ClinVar variation 2992853 (VCV002992853.3), dbSNP rs1788254792, ClinGen allele CA367929221.